The following is an entry in ClinVar:

ClinVar aggregate classification (germline): Uncertain significance. Review status: criteria provided, multiple submitters, no conflicts (2 of 4 stars). 2 submissions from 2 submitters: Uncertain significance (2). Last evaluated 2024-08-01.

Allele frequency attached by ClinVar (database versions not stated): gnomAD 0.00001 and 0.00003; TOPMed 0.00002; gnomAD exomes 0.00006; ExAC 0.00008; 1000 Genomes Project 30x 0.00016; 1000 Genomes Project 0.00020.
gnomAD v4.1: 59 of 1,612,374 alleles (0.0037%); highest among the groups gnomAD compares: South Asian, 0.051%; no homozygotes.

Submissions (2):

Blueprint Genetics
Classification: Uncertain significance. Last evaluated: 2024-08-01. Review status: criteria provided, single submitter. Criteria: ACMG Guidelines, 2015. Collection method: clinical testing. Allele origin: germline.

Labcorp Genetics (formerly Invitae), Labcorp
Classification: Uncertain significance. Last evaluated: 2022-07-28. Review status: criteria provided, single submitter. Criteria: Invitae Variant Classification Sherloc (09022015). Collection method: clinical testing. Allele origin: germline.
Comment: This sequence change replaces proline, which is neutral and non-polar, with leucine, which is neutral and non-polar, at codon 87 of the CFAP410 protein (p.Pro87Leu). This variant is present in population databases (rs553278564, gnomAD 0.04%). This variant has not been reported in the literature in individuals affected with CFAP410-related conditions. ClinVar contains an entry for this variant (Variation ID: 1412601). Algorithms developed to predict the effect of missense changes on protein structure and function (SIFT, PolyPhen-2, Align-GVGD) all suggest that this variant is likely to be disruptive. In summary, the available evidence is currently insufficient to determine the role of this variant in disease. Therefore, it has been classified as a Variant of Uncertain Significance.

NM_004928.3(CFAP410):c.260C>T (p.Pro87Leu)

Gene: CFAP410 (cilia and flagella associated protein 410; minus strand). Cytogenetic location: 21q22.3.
Variant type: single nucleotide variant.
Coding change: c.260C>T on transcript NM_004928.3 (MANE Select); coding-DNA position 260, C replaced by T.
Protein change: p.Pro87Leu; replaces proline 87 with leucine.
Molecular consequence: missense variant.
Genome position (GRCh38, 1-based): chr21:44,333,146, G>A on the plus strand (C>T on the coding strand, the complement: CFAP410 is on the minus strand). VCF-style: chr21-44333146-G-A. GRCh37 (hg19) VCF-style: chr21-45753029-G-A.
Other names: c.260C>T, p.Pro87Leu (NM_001271440.2, NM_001271441.2); c.137C>T, p.Pro46Leu (NM_001271442.1); short protein forms P46L, P87L.
Identifiers: ClinVar variation 1412601 (VCV001412601.5), dbSNP rs553278564, ClinGen allele CA10053748.